The following is an entry in ClinVar:

ClinVar aggregate classification (germline): Uncertain significance (1 of 4 stars; one submission).

Conditions:
Inborn genetic diseases. Identifiers: MedGen C0950123, MeSH D030342.

gnomAD v4.1: 2 of 1,612,902 alleles (0.00012%); highest among the groups gnomAD compares: Middle Eastern, 0.017%; no homozygotes.

Submission:

Ambry Genetics
Classification: Uncertain significance for Inborn genetic diseases. Last evaluated: 2025-08-20. Review status: criteria provided, single submitter. Criteria: Ambry Variant Classification Scheme 2023. Collection method: clinical testing. Allele origin: germline.
Comment: The p.P479A variant (also known as c.1435C>G), located in coding exon 12 of the ASXL1 gene, results from a C to G substitution at nucleotide position 1435. The proline at codon 479 is replaced by alanine, an amino acid with highly similar properties. This amino acid position is conserved. In addition, this alteration is predicted to be tolerated by in silico analysis. Based on the available evidence, the clinical significance of this variant remains unclear.

NM_015338.6(ASXL1):c.1435C>G (p.Pro479Ala)

Gene: ASXL1 (ASXL transcriptional regulator 1; plus strand). Cytogenetic location: 20q11.21.
Variant type: single nucleotide variant.
Coding change: c.1435C>G on transcript NM_015338.6 (MANE Select); coding-DNA position 1435, C replaced by G.
Protein change: p.Pro479Ala; replaces proline 479 with alanine.
Molecular consequence: missense variant.
Genome position (GRCh38, 1-based): chr20:32,433,633, C>G. VCF-style: chr20-32433633-C-G. GRCh37 (hg19) VCF-style: chr20-31021436-C-G.
Other names: c.1252C>G, p.Pro418Ala (NM_001363734.1); short protein forms P418A, P479A.
Identifiers: ClinVar variation 4159029 (VCV004159029.1).